The following is an entry in ClinVar:

NM_021625.5(TRPV4):c.1867del (p.Leu623fs)

Gene: TRPV4 (transient receptor potential cation channel subfamily V member 4; minus strand). Cytogenetic location: 12q24.11.
Variant type: Deletion.
Coding change: c.1867del on transcript NM_021625.5 (MANE Select); coding-DNA position 1867, one base deleted (C; older notation c.1867delC).
Protein change: p.Leu623fs; shifts the reading frame from leucine 623.
Molecular consequence: frameshift variant.
Genome position (GRCh38, 1-based): chr12:109,792,387, G deleted on the plus strand (C on the coding strand, the reverse complement: TRPV4 is on the minus strand). VCF-style (leftmost placement, unchanged base first): chr12-109792386-AG-A. GRCh37 (hg19) VCF-style: chr12-110230191-AG-A.
Other names: c.1726delC, p.Leu576Serfs (NM_001177428.2); c.1765delC, p.Leu589Serfs (NM_001177431.2); c.1546delC, p.Leu516Serfs (NM_001177433.2); c.1867delC, p.Leu623Serfs (NM_021625.4); c.1687delC, p.Leu563Serfs (NM_147204.3); short protein forms L516fs, L589fs, L563fs, L576fs, L623fs.
Identifiers: ClinVar variation 940973 (VCV000940973.4), dbSNP rs1890102629, ClinGen allele CA1139662863.
Genomic context (GRCh38, chr12:109,792,386, plus strand): 5'-CACCCCTGCCAGGACCACCTGAGCACCCAGAGCTCACCTGAAGCGTAGCCGATCATGAAG[AG>A]CAAGTAGACGAGCAGGAATCGGAAAAGGTCCTTGAAGAGAATCTAAAGACCCCAGCGGGA-3'

ClinVar aggregate classification (germline): Uncertain significance. Review status: criteria provided, multiple submitters, no conflicts (2 of 4 stars). 2 submissions from 2 submitters: Uncertain significance (2). Last evaluated 2021-08-26.

Conditions:
Charcot-Marie-Tooth disease axonal type 2C (HMSN2C). Also called: Charcot-Marie-Tooth Disease Type 2, TRPV4-Related (CMT2C); CHARCOT-MARIE-TOOTH DISEASE, AXONAL, AUTOSOMAL DOMINANT, TYPE 2C; Charcot-Marie-Tooth Neuropathy Type 2C. Identifiers: Orphanet 99937, MedGen C1853710, MONDO:0011633, OMIM 606071.

Submissions (2):

CENTOGENE GmbH and LLC - Guiding Precision Medicine
Classification: Uncertain significance for Charcot-Marie-Tooth disease axonal type 2C. Last evaluated: 2021-08-26. Review status: criteria provided, single submitter. Criteria: ACMG Guidelines, 2015. Collection method: clinical testing. Allele origin: germline. Affected: yes.

Labcorp Genetics (formerly Invitae), Labcorp
Classification: Uncertain significance for Charcot-Marie-Tooth disease axonal type 2C. Last evaluated: 2019-06-18. Review status: criteria provided, single submitter. Criteria: Invitae Variant Classification Sherloc (09022015). Collection method: clinical testing. Allele origin: germline.
Comment: This sequence change creates a premature translational stop signal (p.Leu623Serfs*3) in the TRPV4 gene. It is expected to result in an absent or disrupted protein product. This variant is not present in population databases (ExAC no frequency). This variant has not been reported in the literature in individuals with TRPV4-related conditions. The current clinical and genetic evidence is not sufficient to establish whether loss-of-function variants in TRPV4 cause disease. In summary, the available evidence is currently insufficient to determine the role of this variant in disease. Therefore, it has been classified as a Variant of Uncertain Significance.